The following is an entry in ClinVar:

NM_002691.4(POLD1):c.3064C>T (p.Gln1022Ter)

Gene: POLD1 (DNA polymerase delta 1, catalytic subunit; plus strand). Cytogenetic location: 19q13.33.
Variant type: single nucleotide variant.
Coding change: c.3064C>T on transcript NM_002691.4 (MANE Select); coding-DNA position 3064, C replaced by T.
Protein change: p.Gln1022Ter; replaces glutamine 1022 with a stop codon.
Molecular consequence: nonsense. On other transcripts: non-coding transcript variant (1).
Genome position (GRCh38, 1-based): chr19:50,416,720, C>T. VCF-style: chr19-50416720-C-T. GRCh37 (hg19) VCF-style: chr19-50919977-C-T.
Other names: c.3064C>T, p.Gln1022Ter (NM_001256849.1); c.3142C>T, p.Gln1048Ter (NM_001308632.1); short protein forms Q1048*, Q1022*.
Identifiers: ClinVar variation 935534 (VCV000935534.9), dbSNP rs2039311275, ClinGen allele CA406987027.

ClinVar aggregate classification (germline): Uncertain significance (1 of 4 stars; one submission).

Conditions:
POLD1-related polyposis and colorectal cancer syndrome (CRCS10). Also called: Colorectal cancer 10; COLORECTAL CANCER, SUSCEPTIBILITY TO, ON CHROMOSOME 19q; Colorectal cancer, susceptibility to, 10. Identifiers: Orphanet 220460, MedGen C2675481, MONDO:0012953, OMIM 612591.

Submission:

Labcorp Genetics (formerly Invitae), Labcorp
Classification: Uncertain significance for POLD1-related polyposis and colorectal cancer syndrome. Last evaluated: 2020-03-03. Review status: criteria provided, single submitter. Criteria: Invitae Variant Classification Sherloc (09022015). Collection method: clinical testing. Allele origin: germline.
Comment: This sequence change creates a premature translational stop signal (p.Gln1022*) in the POLD1 gene. It is expected to result in an absent or disrupted protein product. The frequency data for this variant in the population databases is considered unreliable, as metrics indicate insufficient coverage at this position in the ExAC database. This variant has not been reported in the literature in individuals with POLD1-related conditions. Missense variants that disrupt the 3'-5' exonuclease (proof-reading) activity of the POLD1 protein, while not abolishing its polymerase enzyme activity, are associated with an increased risk for colonic adenomatous polyps and colon cancer (PMID: 23263490, 23447401). Loss-of-function truncating variants, which result in an absent or severely disrupted POLD1 protein, are therefore unlikely to be associated with disease. Without further clinical and genetic evidence, however, this variant has been classified as a Variant of Uncertain Significance.

Literature cited by the submitters: PubMed 23263490; PubMed 23447401.